The following is an entry in ClinVar:

ClinVar aggregate classification (germline): Uncertain significance. Review status: criteria provided, multiple submitters, no conflicts (2 of 4 stars). 2 submissions from 2 submitters: Uncertain significance (2). Last evaluated 2025-09-26.

Conditions:
Atypical hemolytic-uremic syndrome. Identifiers: Orphanet 2134, MedGen C2931788, MONDO:0016244.

gnomAD v4.1: 6 of 1,612,988 alleles (0.00037%); highest among the groups gnomAD compares: South Asian, 0.0011%; no homozygotes.

Submissions (2):

Genomenon, Inc
Classification: Uncertain significance for Atypical hemolytic-uremic syndrome. Last evaluated: 2025-09-26. Review status: criteria provided, single submitter. Criteria: Genomenon Sequence Variant Interpretation Standards - Updated. Collection method: curation. Allele origin: germline. Affected: yes.
Comment: CFB p.Arg138Trp (c.412C>T) is a missense variant that changes the amino acid at residue 138 from Arginine to Tryptophan. This variant has been observed in at least one proband affected with atypical hemolytic-uremic syndrome (PMID:25037630;24652797). Functional studies have been reported; however, the significance of the findings remain unclear (PMID:36846022;24652797). It is absent or not present at a significant frequency in gnomAD. In conclusion, we classify CFB p.Arg138Trp (c.412C>T) as a variant of uncertain significance.

Labcorp Genetics (formerly Invitae), Labcorp
Classification: Uncertain significance. Last evaluated: 2024-11-03. Review status: criteria provided, single submitter. Criteria: Invitae Variant Classification Sherloc (09022015). Collection method: clinical testing. Allele origin: germline.
Comment: This sequence change replaces arginine, which is basic and polar, with tryptophan, which is neutral and slightly polar, at codon 138 of the CFB protein (p.Arg138Trp). This variant is not present in population databases (gnomAD no frequency). This missense change has been observed in individual(s) with hemolytic uremic syndrome (PMID: 24652797). Invitae Evidence Modeling of protein sequence and biophysical properties (such as structural, functional, and spatial information, amino acid conservation, physicochemical variation, residue mobility, and thermodynamic stability) indicates that this missense variant is not expected to disrupt CFB protein function with a negative predictive value of 80%. Experimental studies have shown that this missense change does not substantially affect CFB function (PMID: 24652797). In summary, the available evidence is currently insufficient to determine the role of this variant in disease. Therefore, it has been classified as a Variant of Uncertain Significance.

Literature cited by the submitters: PubMed 36846022 (cited by Genomenon, Inc); 24652797 (cited by Genomenon, Inc); 25037630 (cited by Genomenon, Inc); PubMed 24652797 (cited by Labcorp Genetics (formerly Invitae), Labcorp).

NM_001710.6(CFB):c.412C>T (p.Arg138Trp)

Gene: CFB (complement factor B; plus strand). Cytogenetic location: 6p21.33.
Variant type: single nucleotide variant.
Coding change: c.412C>T on transcript NM_001710.6 (MANE Select); coding-DNA position 412, C replaced by T.
Protein change: p.Arg138Trp; replaces arginine 138 with tryptophan.
Molecular consequence: missense variant.
Genome position (GRCh38, 1-based): chr6:31,947,120, C>T. VCF-style: chr6-31947120-C-T. GRCh37 (hg19) VCF-style: chr6-31914897-C-T.
Other names: short protein forms R138W.
Identifiers: ClinVar variation 3720680 (VCV003720680.3).